The following is an entry in ClinVar:

NM_152743.4(BRAT1):c.443C>T (p.Thr148Ile)

Gene: BRAT1 (BRCA1 associated ATM activator 1; minus strand). Cytogenetic location: 7p22.3.
Variant type: single nucleotide variant.
Coding change: c.443C>T on transcript NM_152743.4 (MANE Select); coding-DNA position 443, C replaced by T.
Protein change: p.Thr148Ile; replaces threonine 148 with isoleucine.
Molecular consequence: missense variant. On other transcripts: 5 prime UTR variant (1), non-coding transcript variant (1).
Genome position (GRCh38, 1-based): chr7:2,543,950, G>A on the plus strand (C>T on the coding strand, the complement: BRAT1 is on the minus strand). VCF-style: chr7-2543950-G-A. GRCh37 (hg19) VCF-style: chr7-2583584-G-A.
Other names: c.443C>T, p.Thr148Ile (NM_001350626.2); c.-83C>T (NM_001350627.2); short protein forms T148I.
Identifiers: ClinVar variation 1499769 (VCV001499769.4), dbSNP rs749164723, ClinGen allele CA4128196.

ClinVar aggregate classification (germline): Uncertain significance. Review status: criteria provided, multiple submitters, no conflicts (2 of 4 stars). 2 submissions from 2 submitters: Uncertain significance (2). Last evaluated 2023-02-06.

Conditions:
Neonatal-onset encephalopathy with rigidity and seizures. Also called: Lethal neonatal spasticity-epileptic encephalopathy syndrome. Identifiers: Orphanet 435845, MedGen C3281029, MONDO:0013784, OMIM 614498.
Neurodevelopmental disorder with cerebellar atrophy and with or without seizures. Identifiers: MedGen C4748032, MONDO:0020841, OMIM 618056.

Allele frequency attached by ClinVar (database versions not stated): ExAC 0.00001.

Submissions (2):

Department of Pathology and Laboratory Medicine, Sinai Health System
Classification: Uncertain significance for Neurodevelopmental disorder with cerebellar atrophy and with or without seizures. Last evaluated: 2023-02-06. Review status: criteria provided, single submitter. Criteria: ACMG Guidelines, 2015. Collection method: research. Allele origin: germline.

Labcorp Genetics (formerly Invitae), Labcorp
Classification: Uncertain significance for Neonatal-onset encephalopathy with rigidity and seizures. Last evaluated: 2021-11-19. Review status: criteria provided, single submitter. Criteria: Invitae Variant Classification Sherloc (09022015). Collection method: clinical testing. Allele origin: germline.
Comment: This sequence change replaces threonine, which is neutral and polar, with isoleucine, which is neutral and non-polar, at codon 148 of the BRAT1 protein (p.Thr148Ile). This variant is present in population databases (rs749164723, gnomAD 0.001%). This variant has not been reported in the literature in individuals affected with BRAT1-related conditions. Algorithms developed to predict the effect of missense changes on protein structure and function output the following: SIFT: "Tolerated"; PolyPhen-2: "Benign"; Align-GVGD: "Class C0". The isoleucine amino acid residue is found in multiple mammalian species, which suggests that this missense change does not adversely affect protein function. In summary, the available evidence is currently insufficient to determine the role of this variant in disease. Therefore, it has been classified as a Variant of Uncertain Significance.